The following is an entry in ClinVar:

NM_017636.4(TRPM4):c.2132+5G>A

Gene: TRPM4 (transient receptor potential cation channel subfamily M member 4; plus strand). Cytogenetic location: 19q13.33.
Variant type: single nucleotide variant.
Coding change: c.2132+5G>A on transcript NM_017636.4 (MANE Select); 5 bases into the intron after coding-DNA position 2132, G replaced by A.
Molecular consequence: intron variant.
Genome position (GRCh38, 1-based): chr19:49,190,325, G>A. VCF-style: chr19-49190325-G-A. GRCh37 (hg19) VCF-style: chr19-49693582-G-A.
Other names: c.2132+5G>A (NM_001195227.2, NM_017636.3); c.524+5G>A (NM_001321282.2); c.1787+5G>A (NM_001321281.2); c.1610+5G>A (NM_001321283.2); c.1070+5G>A (NM_001321285.2).
Identifiers: ClinVar variation 1578532 (VCV001578532.10), dbSNP rs368773450, ClinGen allele CA9569444.

ClinVar aggregate classification (germline): Conflicting classifications of pathogenicity. Review status: criteria provided, conflicting classifications (1 of 4 stars). 3 submissions from 3 submitters: Uncertain significance (2); Likely benign (1). Last evaluated 2026-08-04.

Conditions:
Cardiovascular phenotype. Identifiers: MedGen CN230736.
Progressive familial heart block type IB (PFHB1B). Identifiers: Orphanet 871, MedGen C1970298, MONDO:0011474, OMIM 604559.

Submissions (3):

Ambry Genetics
Classification: Uncertain significance for Cardiovascular phenotype. Last evaluated: 2026-08-04. Review status: criteria provided, single submitter. Criteria: Ambry Variant Classification Scheme 2023. Collection method: clinical testing. Allele origin: germline.
Comment: The c.2132+5G>A intronic variant results from a G to A substitution 5 nucleotides after coding exon 15 in the TRPM4 gene. This nucleotide position is highly conserved in available vertebrate species. In silico splice site analysis predicts that this alteration may result in the creation or strengthening of a novel splice donor site. Based on the available evidence, the clinical significance of this variant remains unclear.

Labcorp Genetics (formerly Invitae), Labcorp
Classification: Likely benign for Progressive familial heart block type IB. Last evaluated: 2025-01-08. Review status: criteria provided, single submitter. Criteria: Invitae Variant Classification Sherloc (09022015). Collection method: clinical testing. Allele origin: germline.

Blueprint Genetics
Classification: Uncertain significance. Last evaluated: 2024-01-30. Review status: criteria provided, single submitter. Criteria: ACMG Guidelines, 2015. Collection method: clinical testing. Allele origin: germline.